The following is an entry in ClinVar:

ClinVar aggregate classification (germline): Uncertain significance (1 of 4 stars; one submission).

Conditions:
Neurodevelopmental disorder. Identifiers: MedGen C1535926, MeSH D065886, MONDO:0700092.

Submission:

Victorian Clinical Genetics Services, Murdoch Childrens Research Institute
Classification: Uncertain significance for Neurodevelopmental disorder. Last evaluated: 2025-07-01. Review status: criteria provided, single submitter. Criteria: ACMG Guidelines, 2015. Collection method: clinical testing. Allele origin: germline. Affected: yes.
Comment: This variant is classified as VUS-3A. Evidence in support of pathogenic classification: Variant is absent from gnomAD (v2, v3 and v4); Missense variant predicted to be damaging by in silico tool(s) or highly conserved with a major amino acid change. Additional information: Variant is predicted to result in a missense amino acid change from Arg to Gln; This variant is heterozygous; This gene is associated with autosomal dominant disease; Alternative amino acid change(s) at the same position are present in gnomAD (Highest allele count: v4: 5 heterozygote(s), 0 homozygote(s)). - This variant has no previous evidence of pathogenicity; No published evidence of segregation with disease has been identified for this variant; No published functional evidence has been identified for this variant; No comparable missense variants have previous evidence for pathogenicity; Variant is located in the annotated protein kinase domain (PMIDs: 29467497, 39737487). - The mechanism of disease for this gene is not clearly established. Both loss and gain of function have been suggested as mechanisms of disease (PMIDs: 29467497, 39737487); Inheritance information for this variant is not currently available in this individual.

Literature cited by the submitters: PubMed 39737487; PubMed 29467497.

NM_016151.4(TAOK2):c.854G>A (p.Arg285Gln)

Gene: TAOK2 (TAO kinase 2; plus strand). Cytogenetic location: 16p11.2.
Variant type: single nucleotide variant.
Coding change: c.854G>A on transcript NM_016151.4 (MANE Select); coding-DNA position 854, G replaced by A.
Protein change: p.Arg285Gln; replaces arginine 285 with glutamine.
Molecular consequence: missense variant.
Genome position (GRCh38, 1-based): chr16:29,982,756, G>A. VCF-style: chr16-29982756-G-A. GRCh37 (hg19) VCF-style: chr16-29994077-G-A.
Other names: c.854G>A, p.Arg285Gln (NM_001252043.2, NM_004783.4); short protein forms R285Q.
Identifiers: ClinVar variation 4531603 (VCV004531603.1).